The following is an entry in ClinVar:

ClinVar aggregate classification (germline): Uncertain significance (1 of 4 stars; one submission).

gnomAD v4.1: 4 of 1,613,360 alleles (0.00025%); highest among the groups gnomAD compares: South Asian, 0.0022%; no homozygotes.

Submission:

Labcorp Genetics (formerly Invitae), Labcorp
Classification: Uncertain significance. Last evaluated: 2023-07-17. Review status: criteria provided, single submitter. Criteria: Invitae Variant Classification Sherloc (09022015). Collection method: clinical testing. Allele origin: germline.
Comment: In summary, the available evidence is currently insufficient to determine the role of this variant in disease. Therefore, it has been classified as a Variant of Uncertain Significance. An algorithm developed to predict the effect of missense changes on protein structure and function (PolyPhen-2) suggests that this variant is likely to be tolerated. ClinVar contains an entry for this variant (Variation ID: 1460487). This variant has not been reported in the literature in individuals affected with RBP3-related conditions. This variant is not present in population databases (gnomAD no frequency). This sequence change replaces methionine, which is neutral and non-polar, with lysine, which is basic and polar, at codon 920 of the RBP3 protein (p.Met920Lys).

NM_002900.3(RBP3):c.2759T>A (p.Met920Lys)

Gene: RBP3 (retinol binding protein 3; plus strand). Cytogenetic location: 10q11.22.
Variant type: single nucleotide variant.
Coding change: c.2759T>A on transcript NM_002900.3 (MANE Select); coding-DNA position 2759, T replaced by A.
Protein change: p.Met920Lys; replaces methionine 920 with lysine.
Molecular consequence: missense variant.
Genome position (GRCh38, 1-based): chr10:47,351,243, T>A. VCF-style: chr10-47351243-T-A. GRCh37 (hg19) VCF-style: chr10-48388119-A-T.
Other names: short protein forms M920K.
Identifiers: ClinVar variation 1460487 (VCV001460487.8), dbSNP rs1836968277, ClinGen allele CA376674905.